The following is an entry in ClinVar:

ClinVar aggregate classification (germline): Uncertain significance (1 of 4 stars; one submission).

Allele frequency attached by ClinVar (database versions not stated): gnomAD exomes below 0.00001 and 0.00001; ExAC 0.00002; TOPMed 0.00005; gnomAD 0.00007; 1000 Genomes Project 30x 0.00016; 1000 Genomes Project 0.00020.
gnomAD v4.1: 17 of 1,570,318 alleles (0.0011%); highest among the groups gnomAD compares: African/African-American, 0.019%; no homozygotes.

Submission:

Labcorp Genetics (formerly Invitae), Labcorp
Classification: Uncertain significance. Last evaluated: 2022-06-04. Review status: criteria provided, single submitter. Criteria: Invitae Variant Classification Sherloc (09022015). Collection method: clinical testing. Allele origin: germline.
Comment: In summary, the available evidence is currently insufficient to determine the role of this variant in disease. Therefore, it has been classified as a Variant of Uncertain Significance. This sequence change replaces threonine, which is neutral and polar, with alanine, which is neutral and non-polar, at codon 625 of the FASTKD2 protein (p.Thr625Ala). This variant is present in population databases (rs551162471, gnomAD 0.02%). This variant has not been reported in the literature in individuals affected with FASTKD2-related conditions. ClinVar contains an entry for this variant (Variation ID: 1441331). Algorithms developed to predict the effect of missense changes on protein structure and function output the following: SIFT: "Tolerated"; PolyPhen-2: "Benign"; Align-GVGD: "Class C0". The alanine amino acid residue is found in multiple mammalian species, which suggests that this missense change does not adversely affect protein function.

NM_001136193.2(FASTKD2):c.1873A>G (p.Thr625Ala)

Gene: FASTKD2 (FAST kinase domains 2; plus strand). Cytogenetic location: 2q33.3.
Variant type: single nucleotide variant.
Coding change: c.1873A>G on transcript NM_001136193.2 (MANE Select); coding-DNA position 1873, A replaced by G.
Protein change: p.Thr625Ala; replaces threonine 625 with alanine.
Molecular consequence: missense variant.
Genome position (GRCh38, 1-based): chr2:206,788,878, A>G. VCF-style: chr2-206788878-A-G. GRCh37 (hg19) VCF-style: chr2-207653602-A-G.
Other names: c.1873A>G, p.Thr625Ala (NM_001136194.2, NM_014929.4); short protein forms T625A.
Identifiers: ClinVar variation 1441331 (VCV001441331.8), dbSNP rs551162471, ClinGen allele CA2075280.
Genomic context (GRCh38, chr2:206,788,878, plus strand): 5'-GATTTTGAAATCAGAATGGACACTAACAGGAATCAAGTGCTACCACTTTCTGATGTGGAT[A>G]CAACTTCTGCTACAGATATTCAAAGGTTGCTTACATATATTTCATTTGCTGGGCTTTCTG-3'
Protein context (NP_001129665.1, residues 615-635): NQVLPLSDVD[Thr625Ala]TSATDIQRVA